The following is an entry in ClinVar:

ClinVar aggregate classification (germline): Uncertain significance. Review status: criteria provided, multiple submitters, no conflicts (2 of 4 stars). 3 submissions from 3 submitters: Uncertain significance (3). Last evaluated 2026-07-07.

Conditions:
Nephronophthisis 14 (NPHP14). Identifiers: Orphanet 2318, MedGen C3539071, MONDO:0013916, OMIM 614844.

Allele frequency attached by ClinVar (database versions not stated): gnomAD exomes 0.00001 and 0.00002; ExAC 0.00002; gnomAD 0.00003 and 0.00004; TOPMed 0.00003.
gnomAD v4.1: 18 of 1,613,346 alleles (0.0011%); highest among the groups gnomAD compares: Middle Eastern, 0.016%; no homozygotes.

Submissions (3):

Medgenome Labs Ltd
Classification: Uncertain significance for Nephronophthisis 14. Last evaluated: 2026-07-07. Review status: criteria provided, single submitter. Criteria: ACMG Guidelines, 2015. Collection method: clinical testing. Allele origin: germline. Affected: yes.

Labcorp Genetics (formerly Invitae), Labcorp
Classification: Uncertain significance for Nephronophthisis 14. Last evaluated: 2023-07-10. Review status: criteria provided, single submitter. Criteria: Invitae Variant Classification Sherloc (09022015). Collection method: clinical testing. Allele origin: germline.
Comment: This sequence change replaces arginine, which is basic and polar, with glutamine, which is neutral and polar, at codon 905 of the ZNF423 protein (p.Arg905Gln). In summary, the available evidence is currently insufficient to determine the role of this variant in disease. Therefore, it has been classified as a Variant of Uncertain Significance. Advanced modeling of protein sequence and biophysical properties (such as structural, functional, and spatial information, amino acid conservation, physicochemical variation, residue mobility, and thermodynamic stability) performed at Invitae indicates that this missense variant is not expected to disrupt ZNF423 protein function. ClinVar contains an entry for this variant (Variation ID: 1045682). This variant has not been reported in the literature in individuals affected with ZNF423-related conditions. This variant is present in population databases (rs777432098, gnomAD 0.01%).

Revvity Omics, Revvity
Classification: Uncertain significance for Nephronophthisis 14. Last evaluated: 2022-01-20. Review status: criteria provided, single submitter. Criteria: ACMG Guidelines, 2015. Collection method: clinical testing. Allele origin: germline.

NM_001379286.1(ZNF423):c.2738G>A (p.Arg913Gln)

Gene: ZNF423 (zinc finger protein 423; minus strand). Cytogenetic location: 16q12.1.
Variant type: single nucleotide variant.
Coding change: c.2738G>A on transcript NM_001379286.1 (MANE Select); coding-DNA position 2738, G replaced by A.
Protein change: p.Arg913Gln; replaces arginine 913 with glutamine.
Molecular consequence: missense variant.
Genome position (GRCh38, 1-based): chr16:49,636,438, C>T on the plus strand (G>A on the coding strand, the complement: ZNF423 is on the minus strand). VCF-style: chr16-49636438-C-T. GRCh37 (hg19) VCF-style: chr16-49670349-C-T.
Other names: c.2534G>A, p.Arg845Gln (NM_001271620.2); c.2363G>A, p.Arg788Gln (NM_001330533.2); c.2714G>A, p.Arg905Gln (NM_015069.5); c.2714G>A (NM_015069.4); short protein forms R788Q, R845Q, R913Q, R905Q.
Identifiers: ClinVar variation 1045682 (VCV001045682.10), dbSNP rs777432098, ClinGen allele CA8046442.
Genomic context (GRCh38, chr16:49,636,438, plus strand): 5'-AACTCAGCCTTCTTGCGTGAGCCATCATCCTCGCCCGGCCGGATATTGTGGTCCCGCAGC[C>T]GGTGATTCTGCAGCAGCACCTCCATGGTGTAGGCCGCCCCACAGATGTCACAGCCGTACA-3'
Protein context (NP_001366215.1, residues 903-923): YTMEVLLQNH[Arg913Gln]LRDHNIRPGE